The following is an entry in ClinVar:

ClinVar aggregate classification (germline): Uncertain significance. Review status: criteria provided, single submitter (1 of 4 stars). 2 submissions from 2 submitters: Uncertain significance (1). 1 of the submissions does not count toward it. Last evaluated 2025-02-23.

Conditions:
Glycogen storage disease, type V (GSD5). Also called: MCARDLE DISEASE; MUSCLE GLYCOGEN PHOSPHORYLASE DEFICIENCY; MYOPHOSPHORYLASE DEFICIENCY; PYGM DEFICIENCY; McArdle type glycogen storage disease. Identifiers: Orphanet 368, MedGen C0017924, MONDO:0009293, OMIM 232600.

gnomAD v4.1: 6 of 1,614,148 alleles (0.00037%); highest among the groups gnomAD compares: Non-Finnish European, 0.00042%; no homozygotes.

Submissions (2):

Mayo Clinic Laboratories, Mayo Clinic
Classification: Uncertain significance. Last evaluated: 2025-02-23. Review status: criteria provided, single submitter. Criteria: ACMG Guidelines, 2015. Collection method: clinical testing. Allele origin: germline. Observed: 1 variant allele.
Comment: PP3, PM2_supporting

Natera, Inc.
Classification: Uncertain significance for Glycogen storage disease V. Last evaluated: 2025-03-31. Review status: no assertion criteria provided. Collection method: clinical testing. Allele origin: germline. Not counted in ClinVar's aggregate classification.

NM_005609.4(PYGM):c.1834C>T (p.Pro612Ser)

Gene: PYGM (glycogen phosphorylase, muscle associated; minus strand). Cytogenetic location: 11q13.1.
Variant type: single nucleotide variant.
Coding change: c.1834C>T on transcript NM_005609.4 (MANE Select); coding-DNA position 1834, C replaced by T.
Protein change: p.Pro612Ser; replaces proline 612 with serine.
Molecular consequence: missense variant.
Genome position (GRCh38, 1-based): chr11:64,751,460, G>A on the plus strand (C>T on the coding strand, the complement: PYGM is on the minus strand). VCF-style: chr11-64751460-G-A. GRCh37 (hg19) VCF-style: chr11-64518932-G-A.
Other names: p.Pro612Ser; c.1570C>T, p.Pro524Ser (NM_001164716.1); short protein forms P524S, P612S.
Identifiers: ClinVar variation 4060611 (VCV004060611.2).